The following is an entry in ClinVar:

ClinVar aggregate classification (germline): Likely pathogenic (1 of 4 stars; one submission).

Conditions:
Niemann-Pick disease, type B. Also called: Chronic Visceral ASMD (Niemann-Pick Disease Type B; NPD-B). Identifiers: Orphanet 77293, MedGen C0268243, MONDO:0011871, OMIM 607616. Disease mechanism: loss of function.
Niemann-Pick disease, type A. Also called: SPHINGOMYELIN LIPIDOSIS; SPHINGOMYELINASE DEFICIENCY; Infantile Neurovisceral ASMD (Niemann-Pick Disease Type A; NPD-A). Identifiers: Orphanet 77292, MedGen C0268242, MONDO:0009756, OMIM 257200. Disease mechanism: loss of function.

Submission:

Labcorp Genetics (formerly Invitae), Labcorp
Classification: Likely pathogenic for Niemann-Pick disease, type B; Niemann-Pick disease, type A. Last evaluated: 2023-11-27. Review status: criteria provided, single submitter. Criteria: Invitae Variant Classification Sherloc (09022015). Collection method: clinical testing. Allele origin: germline.
Comment: This sequence change creates a premature translational stop signal (p.Arg602Valfs*11) in the SMPD1 gene. While this is not anticipated to result in nonsense mediated decay, it is expected to disrupt the last 30 amino acid(s) of the SMPD1 protein. This variant is not present in population databases (gnomAD no frequency). This premature translational stop signal has been observed in individual(s) with ASM deficiency (PMID: 27338287; Invitae). ClinVar contains an entry for this variant (Variation ID: 941072). This variant disrupts the C-terminus of the SMPD1 protein. Other variant(s) that disrupt this region (p.Pro606Leufs*7) have been observed in individuals with SMPD1-related conditions (PMID: 27338287). This suggests that this may be a clinically significant region of the protein. In summary, the currently available evidence indicates that the variant is pathogenic, but additional data are needed to prove that conclusively. Therefore, this variant has been classified as Likely Pathogenic.

Literature cited by the submitters: PubMed 27338287.

NM_000543.5(SMPD1):c.1804del (p.Arg602fs)

Gene: SMPD1 (sphingomyelin phosphodiesterase 1; plus strand). Cytogenetic location: 11p15.4.
Variant type: Deletion.
Coding change: c.1804del on transcript NM_000543.5 (MANE Select); coding-DNA position 1804, one base deleted (C; older notation c.1804delC).
Protein change: p.Arg602fs; shifts the reading frame from arginine 602.
Molecular consequence: frameshift variant. On other transcripts: 3 prime UTR variant (1), non-coding transcript variant (2).
Genome position (GRCh38, 1-based): chr11:6,394,515, C deleted; the last of 3 consecutive C bases (chr11:6,394,513-6,394,515); deleting any one gives the same sequence. VCF-style (leftmost placement, unchanged base first): chr11-6394512-GC-G. GRCh37 (hg19) VCF-style: chr11-6415742-GC-G.
Other names: c.1801del, p.Arg601fs (NM_001007593.3); c.*297del (NM_001318087.2); c.883del, p.Arg295fs (NM_001318088.2); c.1672del, p.Arg558fs (NM_001365135.2); short protein forms R295fs, R558fs, R601fs, R602fs.
Identifiers: ClinVar variation 941072 (VCV000941072.10), dbSNP rs1848099900, ClinGen allele CA934769647.